The following is an entry in ClinVar:

ClinVar aggregate classification (germline): Likely pathogenic (1 of 4 stars; one submission).

Conditions:
Juvenile polyposis syndrome (JPS). Identifiers: Orphanet 2929, MedGen C0345893, MONDO:0017380, OMIM 174900.

Submission:

Labcorp Genetics (formerly Invitae), Labcorp
Classification: Likely pathogenic for Juvenile polyposis syndrome. Last evaluated: 2021-09-07. Review status: criteria provided, single submitter. Criteria: Invitae Variant Classification Sherloc (09022015). Collection method: clinical testing. Allele origin: germline.
Comment: This variant is also known as Ivs9 + 1 G>A. ClinVar contains an entry for this variant (Variation ID: 24839). Algorithms developed to predict the effect of sequence changes on RNA splicing suggest that this variant may disrupt the consensus splice site. In summary, the currently available evidence indicates that the variant is pathogenic, but additional data are needed to prove that conclusively. Therefore, this variant has been classified as Likely Pathogenic. This sequence change affects a donor splice site in intron 9 of the SMAD4 gene. It is expected to disrupt RNA splicing. Variants that disrupt the donor or acceptor splice site typically lead to a loss of protein function (PMID: 16199547), and loss-of-function variants in SMAD4 are known to be pathogenic (PMID: 16152648, 16436638, 22810475). This variant is not present in population databases (ExAC no frequency). Disruption of this splice site has been observed in individual(s) with juvenile polyposis syndrome (PMID: 16436638, 18823382).

Literature cited by the submitters: PubMed 16199547; PubMed 16152648; PubMed 16436638; PubMed 22810475; PubMed 18823382.

NM_005359.6(SMAD4):c.1139+1G>A

Gene: SMAD4 (SMAD family member 4; plus strand). Cytogenetic location: 18q21.2.
Variant type: single nucleotide variant.
Coding change: c.1139+1G>A on transcript NM_005359.6 (MANE Select); the canonical splice donor site of the intron after coding-DNA position 1139, G replaced by A.
Molecular consequence: splice donor variant. On other transcripts: synonymous variant (1), non-coding transcript variant (1).
Genome position (GRCh38, 1-based): chr18:51,065,607, G>A. VCF-style: chr18-51065607-G-A. GRCh37 (hg19) VCF-style: chr18-48591977-G-A.
Other names: c.1140G>A, p.Arg380= (NM_001407043.1); c.1139+1G>A (NM_001407042.1, NM_001407041.1).
Identifiers: ClinVar variation 1495308 (VCV001495308.6), dbSNP rs377767354, ClinGen allele CA259222.